The following is an entry in ClinVar:

ClinVar aggregate classification (germline): Uncertain significance. Review status: criteria provided, multiple submitters, no conflicts (2 of 4 stars). 2 submissions from 2 submitters: Uncertain significance (2). Last evaluated 2022-04-24.

Allele frequency attached by ClinVar (database versions not stated): gnomAD exomes below 0.00001.
gnomAD v4.1: 1 of 1,614,054 alleles (0.000062%); highest among the groups gnomAD compares: African/African-American, 0.0013%; no homozygotes.

Submissions (2):

Labcorp Genetics (formerly Invitae), Labcorp
Classification: Uncertain significance. Last evaluated: 2022-04-24. Review status: criteria provided, single submitter. Criteria: Invitae Variant Classification Sherloc (09022015). Collection method: clinical testing. Allele origin: germline.
Comment: Advanced modeling of protein sequence and biophysical properties (such as structural, functional, and spatial information, amino acid conservation, physicochemical variation, residue mobility, and thermodynamic stability) performed at Invitae indicates that this missense variant is not expected to disrupt FAT4 protein function. This variant is present in population databases (no rsID available, gnomAD 0.007%). This variant has not been reported in the literature in individuals affected with FAT4-related conditions. ClinVar contains an entry for this variant (Variation ID: 1315283). In summary, the available evidence is currently insufficient to determine the role of this variant in disease. Therefore, it has been classified as a Variant of Uncertain Significance. This sequence change replaces alanine, which is neutral and non-polar, with glycine, which is neutral and non-polar, at codon 3166 of the FAT4 protein (p.Ala3166Gly).

GeneDx
Classification: Uncertain significance. Last evaluated: 2020-02-10. Review status: criteria provided, single submitter. Criteria: GeneDx Variant Classification Process June 2021. Collection method: clinical testing. Allele origin: germline. Affected: yes.
Comment: Not observed at a significant frequency in large population cohorts (Lek et al., 2016); In silico analysis supports that this missense variant has a deleterious effect on protein structure/function; Has not been previously published as pathogenic or benign to our knowledge

NM_001291303.3(FAT4):c.9503C>G (p.Ala3168Gly)

Gene: FAT4 (FAT atypical cadherin 4; plus strand). Cytogenetic location: 4q28.1.
Variant type: single nucleotide variant.
Coding change: c.9503C>G on transcript NM_001291303.3 (MANE Select); coding-DNA position 9503, C replaced by G.
Protein change: p.Ala3168Gly; replaces alanine 3168 with glycine.
Molecular consequence: missense variant.
Genome position (GRCh38, 1-based): chr4:125,450,513, C>G. VCF-style: chr4-125450513-C-G. GRCh37 (hg19) VCF-style: chr4-126371668-C-G.
Other names: c.9503C>G, p.Ala3168Gly (NM_001291285.3); c.9497C>G, p.Ala3166Gly (NM_024582.6); short protein forms A3166G, A3168G.
Identifiers: ClinVar variation 1315283 (VCV001315283.6), dbSNP rs1167760725, ClinGen allele CA358152340.